The following is an entry in ClinVar:

ClinVar aggregate classification (germline): Pathogenic (3 of 4 stars; one submission).

Conditions:
Breast-ovarian cancer, familial, susceptibility to, 2 (BROVCA2). Also called: BRCA2 Hereditary Breast and Ovarian Cancer. Identifiers: Orphanet 145, MedGen C2675520, MONDO:0012933, OMIM 612555. Disease mechanism: loss of function.

Submission:

Evidence-based Network for the Interpretation of Germline Mutant Alleles (ENIGMA)
Classification: Pathogenic for Breast-ovarian cancer, familial, susceptibility to, 2. Last evaluated: 2016-10-18. Review status: reviewed by expert panel. Criteria: ENIGMA BRCA1/2 Classification Criteria (2015). Collection method: curation. Allele origin: germline.
Comment: Variant allele predicted to encode a truncated non-functional protein.

NM_000059.4(BRCA2):c.7751del (p.Gly2584fs)

Gene: BRCA2 (BRCA2 DNA repair associated; plus strand). Cytogenetic location: 13q13.1.
Variant type: Deletion.
Coding change: c.7751del on transcript NM_000059.4 (MANE Select); coding-DNA position 7751, one base deleted (G; older notation c.7751delG).
Protein change: p.Gly2584fs; shifts the reading frame from glycine 2584.
Molecular consequence: frameshift variant.
Genome position (GRCh38, 1-based): chr13:32,357,875, G deleted; the last of 2 consecutive G bases (chr13:32,357,874-32,357,875); deleting either gives the same sequence. VCF-style (leftmost placement, unchanged base first): chr13-32357873-TG-T. GRCh37 (hg19) VCF-style: chr13-32932010-TG-T.
Other names: 7979delG; c.7751delG (NM_000059.3).
Identifiers: ClinVar variation 52399 (VCV000052399.5), dbSNP rs397507936, ClinGen allele CA025255.